The following is an entry in ClinVar:

NM_003285.3(TNR):c.1500C>T (p.Val500=)

Gene: TNR (tenascin R; minus strand). Cytogenetic location: 1q25.1.
Variant type: single nucleotide variant.
Coding change: c.1500C>T on transcript NM_003285.3 (MANE Select); coding-DNA position 1500, C replaced by T.
Protein change: p.Val500=; no amino-acid change (valine 500 retained).
Molecular consequence: synonymous variant.
Genome position (GRCh38, 1-based): chr1:175,391,295, G>A on the plus strand (C>T on the coding strand, the complement: TNR is on the minus strand). VCF-style: chr1-175391295-G-A. GRCh37 (hg19) VCF-style: chr1-175360431-G-A.
Other names: c.501C>T, p.Val167= (NM_001328635.2).
Identifiers: ClinVar variation 798644 (VCV000798644.10), dbSNP rs528171911, ClinGen allele CA1255926.

ClinVar aggregate classification (germline): Benign/Likely benign. Review status: criteria provided, multiple submitters, no conflicts (2 of 4 stars). 2 submissions from 2 submitters: Benign (1); Likely benign (1). Last evaluated 2025-04-01.

Allele frequency attached by ClinVar (database versions not stated): gnomAD below 0.00001 and 0.00007; TOPMed 0.00003; gnomAD exomes 0.00046; ExAC 0.00052; 1000 Genomes Project 30x 0.00062; 1000 Genomes Project 0.00080.
gnomAD v4.1: 338 of 1,613,752 alleles (0.021%); highest among the groups gnomAD compares: South Asian, 0.36%; 3 homozygotes.

Submissions (2):

CeGaT Center for Human Genetics Tuebingen
Classification: Likely benign. Last evaluated: 2025-04-01. Review status: criteria provided, single submitter. Criteria: CeGaT Center For Human Genetics Tuebingen Variant Classification Criteria Version 2. Collection method: clinical testing. Allele origin: germline. Affected: yes. Observed: 1 variant allele.
Comment: TNR: BP4, BP7

Labcorp Genetics (formerly Invitae), Labcorp
Classification: Benign. Last evaluated: 2018-12-18. Review status: criteria provided, single submitter. Criteria: Invitae Variant Classification Sherloc (09022015). Collection method: clinical testing. Allele origin: germline.